The following is an entry in ClinVar:

ClinVar aggregate classification (germline): Pathogenic (1 of 4 stars; one submission).

Submission:

Labcorp Genetics (formerly Invitae), Labcorp
Classification: Pathogenic. Last evaluated: 2022-08-15. Review status: criteria provided, single submitter. Criteria: Invitae Variant Classification Sherloc (09022015). Collection method: clinical testing. Allele origin: germline.
Comment: For these reasons, this variant has been classified as Pathogenic. This variant has not been reported in the literature in individuals affected with EYS-related conditions. This variant is a gross deletion of the genomic region encompassing exon(s) 1-29 of the EYS gene, which includes the initiator codon. This deletion extends beyond the assayed region for this gene and therefore may encompass additional genes. It is expected to result in an absent or disrupted protein product. Loss-of-function variants in EYS are known to be pathogenic (PMID: 18836446, 20333770).

Literature cited by the submitters: PubMed 18836446; PubMed 20333770.

NC_000006.11:g.(?_65098563)_(66417118_?)del

Gene: EYS (eyes shut homolog; minus strand). Cytogenetic location: 6q12.
Variant type: Deletion.
Identifiers: ClinVar variation 1452816 (VCV001452816.5).